The following is an entry in ClinVar:

NM_000264.5(PTCH1):c.1904A>C (p.Asp635Ala)

Genes: PTCH1 (patched 1; minus strand), LOC100507346 (uncharacterized LOC100507346; plus strand). Cytogenetic location: 9q22.32.
Variant type: single nucleotide variant.
Coding change: c.1904A>C on transcript NM_000264.5 (MANE Select); coding-DNA position 1904, A replaced by C.
Protein change: p.Asp635Ala; replaces aspartic acid 635 with alanine.
Molecular consequence: missense variant. On other transcripts: non-coding transcript variant (2).
Genome position (GRCh38, 1-based): chr9:95,469,097, T>G on the plus strand (A>C on the coding strand, the complement: PTCH1 is on the minus strand). VCF-style: chr9-95469097-T-G. GRCh37 (hg19) VCF-style: chr9-98231379-T-G.
Other names: c.1706A>C, p.Asp569Ala (NM_001083602.3); c.1901A>C, p.Asp634Ala (NM_001083603.3); c.1451A>C, p.Asp484Ala (NM_001083604.3, NM_001083605.3, NM_001083606.3 and 1 more transcripts); c.1748A>C, p.Asp583Ala (NM_001354918.2); short protein forms D484A, D634A, D569A, D635A, D583A.
Identifiers: ClinVar variation 1461698 (VCV001461698.8), dbSNP rs200321717, ClinGen allele CA374116078.

ClinVar aggregate classification (germline): Uncertain significance (1 of 4 stars; one submission).

Conditions:
Gorlin syndrome. Also called: Nevoid Basal Cell Carcinoma Syndrome; Basal cell nevus syndrome. Identifiers: Orphanet 377, MedGen C0004779, MONDO:0007187.

Submission:

Labcorp Genetics (formerly Invitae), Labcorp
Classification: Uncertain significance for Gorlin syndrome. Last evaluated: 2020-11-13. Review status: criteria provided, single submitter. Criteria: Invitae Variant Classification Sherloc (09022015). Collection method: clinical testing. Allele origin: germline.
Comment: This sequence change replaces aspartic acid with alanine at codon 635 of the PTCH1 protein (p.Asp635Ala). The aspartic acid residue is weakly conserved and there is a moderate physicochemical difference between aspartic acid and alanine. This variant is not present in population databases (ExAC no frequency). This variant has not been reported in the literature in individuals with PTCH1-related conditions. Advanced modeling of protein sequence and biophysical properties (such as structural, functional, and spatial information, amino acid conservation, physicochemical variation, residue mobility, and thermodynamic stability) performed at Invitae indicates that this missense variant is not expected to disrupt PTCH1 protein function. In summary, the available evidence is currently insufficient to determine the role of this variant in disease. Therefore, it has been classified as a Variant of Uncertain Significance.